The following is an entry in ClinVar:

ClinVar aggregate classification (germline): Pathogenic (1 of 4 stars; one submission).

Conditions:
Immunodeficiency 23 (IMD23). Also called: IMMUNODEFICIENCY-VASCULITIS-MYOCLONUS SYNDROME; IMMUNODEFICIENCY WITH HYPER IgE AND COGNITIVE IMPAIRMENT. Identifiers: Orphanet 443811, MedGen C4014371, MONDO:0014353, OMIM 615816.

Allele frequency attached by ClinVar (database versions not stated): gnomAD exomes 0.00001.
gnomAD v4.1: 15 of 1,614,010 alleles (0.00093%); highest among the groups gnomAD compares: Non-Finnish European, 0.0012%; no homozygotes.

Submission:

Labcorp Genetics (formerly Invitae), Labcorp
Classification: Pathogenic for Immunodeficiency 23. Last evaluated: 2022-12-24. Review status: criteria provided, single submitter. Criteria: Invitae Variant Classification Sherloc (09022015). Collection method: clinical testing. Allele origin: germline.
Comment: For these reasons, this variant has been classified as Pathogenic. This variant is also known as p.Q478*. This premature translational stop signal has been observed in individual(s) with PGM3-related conditions (PMID: 33098103). This variant is not present in population databases (gnomAD no frequency). This sequence change creates a premature translational stop signal (p.Gln506*) in the PGM3 gene. It is expected to result in an absent or disrupted protein product. Loss-of-function variants in PGM3 are known to be pathogenic (PMID: 17548465, 24589341, 24931394).

Literature cited by the submitters: PubMed 33098103; PubMed 17548465; PubMed 24589341; PubMed 24931394.

NM_015599.3(PGM3):c.1432C>T (p.Gln478Ter)

Genes: DOP1A (DOP1 leucine zipper like protein A; plus strand), PGM3 (phosphoglucomutase 3; minus strand). Cytogenetic location: 6q14.1.
Variant type: single nucleotide variant.
Coding change: c.1432C>T on transcript NM_015599.3 (MANE Select); coding-DNA position 1432, C replaced by T.
Protein change: p.Gln478Ter; replaces glutamine 478 with a stop codon.
Molecular consequence: nonsense. On other transcripts: non-coding transcript variant (2).
Genome position (GRCh38, 1-based): chr6:83,170,412, G>A on the plus strand (C>T on the coding strand, the complement: PGM3 is on the minus strand). VCF-style: chr6-83170412-G-A. GRCh37 (hg19) VCF-style: chr6-83880131-G-A.
Other names: c.1516C>T, p.Gln506Ter (NM_001199917.2, NM_001367287.1); c.1189C>T, p.Gln397Ter (NM_001199918.2); c.1432C>T, p.Gln478Ter (NM_001199919.2); c.1309C>T, p.Gln437Ter (NM_001367286.1); short protein forms Q506*, Q397*, Q437*, Q478*.
Identifiers: ClinVar variation 1929387 (VCV001929387.5), dbSNP rs2537974300, ClinGen allele CA364878535.